The following is an entry in ClinVar:

ClinVar aggregate classification (germline): Uncertain significance (1 of 4 stars; one submission).

Allele frequency attached by ClinVar (database versions not stated): TOPMed below 0.00001.

Submission:

Labcorp Genetics (formerly Invitae), Labcorp
Classification: Uncertain significance. Last evaluated: 2023-10-28. Review status: criteria provided, single submitter. Criteria: Invitae Variant Classification Sherloc (09022015). Collection method: clinical testing. Allele origin: germline.
Comment: This sequence change replaces histidine, which is basic and polar, with asparagine, which is neutral and polar, at codon 338 of the MYLK3 protein (p.His338Asn). This variant is not present in population databases (gnomAD no frequency). This variant has not been reported in the literature in individuals affected with MYLK3-related conditions. Algorithms developed to predict the effect of missense changes on protein structure and function output the following: SIFT: "Not Available"; PolyPhen-2: "Benign"; Align-GVGD: "Not Available". The asparagine amino acid residue is found in multiple mammalian species, which suggests that this missense change does not adversely affect protein function. In summary, the available evidence is currently insufficient to determine the role of this variant in disease. Therefore, it has been classified as a Variant of Uncertain Significance.

NM_182493.3(MYLK3):c.1012C>A (p.His338Asn)

Gene: MYLK3 (myosin light chain kinase 3; minus strand). Cytogenetic location: 16q11.2.
Variant type: single nucleotide variant.
Coding change: c.1012C>A on transcript NM_182493.3 (MANE Select); coding-DNA position 1012, C replaced by A.
Protein change: p.His338Asn; replaces histidine 338 with asparagine.
Molecular consequence: missense variant. On other transcripts: 5 prime UTR variant (1).
Genome position (GRCh38, 1-based): chr16:46,732,658, G>T on the plus strand (C>A on the coding strand, the complement: MYLK3 is on the minus strand). VCF-style: chr16-46732658-G-T. GRCh37 (hg19) VCF-style: chr16-46766570-G-T.
Other names: c.-12C>A (NM_001308301.1); short protein forms H338N.
Identifiers: ClinVar variation 2876138 (VCV002876138.3), dbSNP rs1471393334, ClinGen allele CA395793256.